The following is an entry in ClinVar:

NM_003072.5(SMARCA4):c.812G>A (p.Gly271Glu)

Gene: SMARCA4 (SWI/SNF related BAF chromatin remodeling complex subunit ATPase 4; plus strand). Cytogenetic location: 19p13.2.
Variant type: single nucleotide variant.
Coding change: c.812G>A on transcript NM_003072.5 (MANE Select); coding-DNA position 812, G replaced by A.
Protein change: p.Gly271Glu; replaces glycine 271 with glutamic acid.
Molecular consequence: missense variant. On other transcripts: non-coding transcript variant (1).
Genome position (GRCh38, 1-based): chr19:10,986,956, G>A. VCF-style: chr19-10986956-G-A. GRCh37 (hg19) VCF-style: chr19-11097632-G-A.
Other names: c.812G>A, p.Gly271Glu (NM_001128844.3, NM_001128845.2, NM_001128846.2 and 6 more transcripts); short protein forms G271E.
Identifiers: ClinVar variation 1898695 (VCV001898695.5), dbSNP rs2145796890, ClinGen allele CA404058023.

ClinVar aggregate classification (germline): Uncertain significance (1 of 4 stars; one submission).

Conditions:
Rhabdoid tumor predisposition syndrome 2 (RTPS2). Identifiers: Orphanet 231108, Orphanet 69077, MedGen C2750074, MONDO:0013224, OMIM 613325.

Submission:

Labcorp Genetics (formerly Invitae), Labcorp
Classification: Uncertain significance for Rhabdoid tumor predisposition syndrome 2. Last evaluated: 2024-09-23. Review status: criteria provided, single submitter. Criteria: Invitae Variant Classification Sherloc (09022015). Collection method: clinical testing. Allele origin: germline.
Comment: This sequence change replaces glycine, which is neutral and non-polar, with glutamic acid, which is acidic and polar, at codon 271 of the SMARCA4 protein (p.Gly271Glu). This variant is not present in population databases (gnomAD no frequency). This variant has not been reported in the literature in individuals affected with SMARCA4-related conditions. ClinVar contains an entry for this variant (Variation ID: 1898695). Invitae Evidence Modeling of protein sequence and biophysical properties (such as structural, functional, and spatial information, amino acid conservation, physicochemical variation, residue mobility, and thermodynamic stability) has been performed for this missense variant. However, the output from this modeling did not meet the statistical confidence thresholds required to predict the impact of this variant on SMARCA4 protein function. In summary, the available evidence is currently insufficient to determine the role of this variant in disease. Therefore, it has been classified as a Variant of Uncertain Significance.